The following is an entry in ClinVar:

ClinVar aggregate classification (germline): Pathogenic (1 of 4 stars; one submission).

Submission:

Labcorp Genetics (formerly Invitae), Labcorp
Classification: Pathogenic. Last evaluated: 2024-06-20. Review status: criteria provided, single submitter. Criteria: Invitae Variant Classification Sherloc (09022015). Collection method: clinical testing. Allele origin: germline.
Comment: This sequence change creates a premature translational stop signal (p.Tyr389*) in the ATP2A2 gene. It is expected to result in an absent or disrupted protein product. Loss-of-function variants in ATP2A2 are known to be pathogenic (PMID: 10080178, 10441324). This variant is not present in population databases (gnomAD no frequency). This variant has not been reported in the literature in individuals affected with ATP2A2-related conditions. For these reasons, this variant has been classified as Pathogenic.

Literature cited by the submitters: PubMed 10080178; PubMed 10441324.

NM_170665.4(ATP2A2):c.1167T>A (p.Tyr389Ter)

Gene: ATP2A2 (ATPase sarcoplasmic/endoplasmic reticulum Ca2+ transporting 2; plus strand). Cytogenetic location: 12q24.11.
Variant type: single nucleotide variant.
Coding change: c.1167T>A on transcript NM_170665.4 (MANE Select); coding-DNA position 1167, T replaced by A.
Protein change: p.Tyr389Ter; replaces tyrosine 389 with a stop codon.
Molecular consequence: nonsense.
Genome position (GRCh38, 1-based): chr12:110,332,668, T>A. VCF-style: chr12-110332668-T-A. GRCh37 (hg19) VCF-style: chr12-110770473-T-A.
Other names: c.1062T>A, p.Tyr354Ter (NM_001413013.1); c.1167T>A, p.Tyr389Ter (NM_001413014.1, NM_001681.4); c.792T>A, p.Tyr264Ter (NM_001413015.1); short protein forms Y264*, Y354*, Y389*.
Identifiers: ClinVar variation 3657086 (VCV003657086.2).